The following is an entry in ClinVar:

NM_139058.3(ARX):c.658G>A (p.Gly220Ser)

Gene: ARX (aristaless related homeobox; minus strand). Cytogenetic location: Xp21.3.
Variant type: single nucleotide variant.
Coding change: c.658G>A on transcript NM_139058.3 (MANE Select); coding-DNA position 658, G replaced by A.
Protein change: p.Gly220Ser; replaces glycine 220 with serine.
Molecular consequence: missense variant.
Genome position (GRCh38, 1-based): chrX:25,013,337, C>T on the plus strand (G>A on the coding strand, the complement: ARX is on the minus strand). VCF-style: chrX-25013337-C-T. GRCh37 (hg19) VCF-style: chrX-25031454-C-T.
Other names: short protein forms G220S.
Identifiers: ClinVar variation 2574417 (VCV002574417.1), dbSNP rs2048710584, ClinGen allele CA412612718.

ClinVar aggregate classification (germline): Uncertain significance (1 of 4 stars; one submission).

Allele frequency attached by ClinVar (database versions not stated): gnomAD 0.00001; TOPMed 0.00001.
gnomAD v4.1: 1 of 1,149,485 alleles (0.000087%); highest among the groups gnomAD compares: Admixed American, 0.0026%; no homozygotes.

Submission:

GeneDx
Classification: Uncertain significance. Last evaluated: 2023-01-25. Review status: criteria provided, single submitter. Criteria: GeneDx Variant Classification Process June 2021. Collection method: clinical testing. Allele origin: germline. Affected: yes.
Comment: Not observed at significant frequency in large population cohorts (gnomAD); In silico analysis supports that this missense variant does not alter protein structure/function; Has not been previously published as pathogenic or benign to our knowledge